The following is an entry in ClinVar:

ClinVar aggregate classification (germline): Uncertain significance (1 of 4 stars; one submission).

Submission:

Labcorp Genetics (formerly Invitae), Labcorp
Classification: Uncertain significance. Last evaluated: 2022-09-27. Review status: criteria provided, single submitter. Criteria: Invitae Variant Classification Sherloc (09022015). Collection method: clinical testing. Allele origin: germline.
Comment: In summary, the available evidence is currently insufficient to determine the role of this variant in disease. Therefore, it has been classified as a Variant of Uncertain Significance. Algorithms developed to predict the effect of missense changes on protein structure and function are either unavailable or do not agree on the potential impact of this missense change (SIFT: "Not Available"; PolyPhen-2: "Probably Damaging"; Align-GVGD: "Not Available"). This variant has not been reported in the literature in individuals affected with HYOU1-related conditions. This variant is not present in population databases (gnomAD no frequency). This sequence change replaces phenylalanine, which is neutral and non-polar, with leucine, which is neutral and non-polar, at codon 470 of the HYOU1 protein (p.Phe470Leu).

NM_006389.5(HYOU1):c.1410C>A (p.Phe470Leu)

Gene: HYOU1 (hypoxia up-regulated 1; minus strand). Cytogenetic location: 11q23.3.
Variant type: single nucleotide variant.
Coding change: c.1410C>A on transcript NM_006389.5 (MANE Select); coding-DNA position 1410, C replaced by A.
Protein change: p.Phe470Leu; replaces phenylalanine 470 with leucine.
Molecular consequence: missense variant.
Genome position (GRCh38, 1-based): chr11:119,051,554, G>T on the plus strand (C>A on the coding strand, the complement: HYOU1 is on the minus strand). VCF-style: chr11-119051554-G-T. GRCh37 (hg19) VCF-style: chr11-118922266-G-T.
Other names: c.1410C>A, p.Phe470Leu (NM_001130991.3, NM_001411041.1); short protein forms F470L.
Identifiers: ClinVar variation 2061463 (VCV002061463.4), dbSNP rs2497160773, ClinGen allele CA382937811.
Genomic context (GRCh38, chr11:119,051,554, plus strand): 5'-ATCATGGCTGTAGCGGTTAAAGGTGATGACTTTGCGTTGAGGGTAGGGCCCCATCCGAGA[G>T]AAGAGTACCCGTTTATTGTGCTTCAGGCTGTGAATCCCAGGCTCCTCCTCCACCTCCCTC-3'
Protein context (NP_006380.1, residues 460-480): HSLKHNKRVL[Phe470Leu]SRMGPYPQRK